The following is an entry in ClinVar:

NM_000302.4(PLOD1):c.1639C>T (p.Leu547=)

Gene: PLOD1 (procollagen-lysine,2-oxoglutarate 5-dioxygenase 1; plus strand). Cytogenetic location: 1p36.22.
Variant type: single nucleotide variant.
Coding change: c.1639C>T on transcript NM_000302.4 (MANE Select); coding-DNA position 1639, C replaced by T.
Protein change: p.Leu547=; no amino-acid change (leucine 547 retained).
Molecular consequence: synonymous variant.
Genome position (GRCh38, 1-based): chr1:11,966,305, C>T. VCF-style: chr1-11966305-C-T. GRCh37 (hg19) VCF-style: chr1-12026362-C-T.
Other names: c.1780C>T, p.Leu594= (NM_001316320.2).
Identifiers: ClinVar variation 3231127 (VCV003231127.2), dbSNP rs1305618308, ClinGen allele CA416107729.

ClinVar aggregate classification (germline): Likely benign. Review status: criteria provided, multiple submitters, no conflicts (2 of 4 stars). 2 submissions from 2 submitters: Likely benign (2). Last evaluated 2026-05-15.

Conditions:
PLOD1-related disorder. Also called: PLOD1-related condition.
Familial thoracic aortic aneurysm and aortic dissection (TAAD). Also called: Thoracic aortic aneurysms and dissections. Identifiers: Orphanet 91387, MedGen C4707243, MONDO:0019625.

Allele frequency attached by ClinVar (database versions not stated): gnomAD exomes below 0.00001.

Submissions (2):

PreventionGenetics, part of Exact Sciences
Classification: Likely benign for PLOD1-related condition. Last evaluated: 2026-05-15. Review status: criteria provided, single submitter. Criteria: ACMG Guidelines, 2015. Collection method: clinical testing. Allele origin: germline.
Comment: This variant is classified as likely benign based on ACMG/AMP sequence variant interpretation guidelines (Richards et al. 2015 PMID: 25741868, with internal and published modifications).

Ambry Genetics
Classification: Likely benign for Familial thoracic aortic aneurysm and aortic dissection. Last evaluated: 2024-02-25. Review status: criteria provided, single submitter. Criteria: Ambry Variant Classification Scheme 2023. Collection method: clinical testing. Allele origin: germline.